The following is an entry in ClinVar:

ClinVar aggregate classification (germline): Uncertain significance. Review status: criteria provided, multiple submitters, no conflicts (2 of 4 stars). 2 submissions from 2 submitters: Uncertain significance (2). Last evaluated 2025-10-11.

Conditions:
Hypertrophic cardiomyopathy 14. Identifiers: MedGen C2750467, MONDO:0013197, OMIM 613251.
Cardiovascular phenotype. Identifiers: MedGen CN230736.

Allele frequency attached by ClinVar (database versions not stated): gnomAD exomes below 0.00001; ExAC 0.00001.
gnomAD v4.1: 2 of 1,614,228 alleles (0.00012%); highest among the groups gnomAD compares: Non-Finnish European, 0.00017%; no homozygotes.

Submissions (2):

Ambry Genetics
Classification: Uncertain significance for Cardiovascular phenotype. Last evaluated: 2025-10-11. Review status: criteria provided, single submitter. Criteria: Ambry Variant Classification Scheme 2023. Collection method: clinical testing. Allele origin: germline.
Comment: The p.K862R variant (also known as c.2585A>G), located in coding exon 19 of the MYH6 gene, results from an A to G substitution at nucleotide position 2585. The lysine at codon 862 is replaced by arginine, an amino acid with highly similar properties. This amino acid position is conserved. In addition, the in silico prediction for this alteration is inconclusive. Based on the available evidence, the clinical significance of this variant remains unclear.

Labcorp Genetics (formerly Invitae), Labcorp
Classification: Uncertain significance for Hypertrophic cardiomyopathy 14. Last evaluated: 2022-07-19. Review status: criteria provided, single submitter. Criteria: Invitae Variant Classification Sherloc (09022015). Collection method: clinical testing. Allele origin: germline.
Comment: ClinVar contains an entry for this variant (Variation ID: 962867). This variant has not been reported in the literature in individuals affected with MYH6-related conditions. This variant is present in population databases (rs754237178, gnomAD 0.006%). This sequence change replaces lysine, which is basic and polar, with arginine, which is basic and polar, at codon 862 of the MYH6 protein (p.Lys862Arg). Algorithms developed to predict the effect of missense changes on protein structure and function are either unavailable or do not agree on the potential impact of this missense change (SIFT: "Tolerated"; PolyPhen-2: "Probably Damaging"; Align-GVGD: "Class C0"). In summary, the available evidence is currently insufficient to determine the role of this variant in disease. Therefore, it has been classified as a Variant of Uncertain Significance.

NM_002471.4(MYH6):c.2585A>G (p.Lys862Arg)

Gene: MYH6 (myosin heavy chain 6; minus strand). Cytogenetic location: 14q11.2.
Variant type: single nucleotide variant.
Coding change: c.2585A>G on transcript NM_002471.4 (MANE Select); coding-DNA position 2585, A replaced by G.
Protein change: p.Lys862Arg; replaces lysine 862 with arginine.
Molecular consequence: missense variant.
Genome position (GRCh38, 1-based): chr14:23,394,168, T>C on the plus strand (A>G on the coding strand, the complement: MYH6 is on the minus strand). VCF-style: chr14-23394168-T-C. GRCh37 (hg19) VCF-style: chr14-23863377-T-C.
Other names: short protein forms K862R.
Identifiers: ClinVar variation 962867 (VCV000962867.11), dbSNP rs754237178, ClinGen allele CA7115430.